The following is an entry in ClinVar:

NM_001164508.2(NEB):c.21630+1G>A

Genes: NEB (nebulin; minus strand), RIF1 (replication timing regulatory factor 1; plus strand). Cytogenetic location: 2q23.3.
Variant type: single nucleotide variant.
Coding change: c.21630+1G>A on transcript NM_001164508.2 (MANE Select); the canonical splice donor site of the intron after coding-DNA position 21630, G replaced by A.
Molecular consequence: splice donor variant.
Genome position (GRCh38, 1-based): chr2:151,530,993, C>T on the plus strand (G>A on the coding strand, the complement: NEB is on the minus strand). VCF-style: chr2-151530993-C-T. GRCh37 (hg19) VCF-style: chr2-152387507-C-T.
Other names: c.16527+1G>A (NM_004543.5); c.21630+1G>A (NM_001164507.2); c.21735+1G>A (NM_001271208.2).
Identifiers: ClinVar variation 552069 (VCV000552069.3), dbSNP rs1446706909, ClinGen allele CA348770142.
Genomic context (GRCh38, chr2:151,530,993, plus strand): 5'-GTTACATCTCATTAGAAGGAGGCCAAGATGAGAGGGACTGCTAAACCATTCTAGTACTTA[C>T]ATCACTGACTTCATCTTTAACCTTGCGGACATGCAGCAACATGGGTGTGTCGTGGATTGT-3'

ClinVar aggregate classification (germline): Uncertain significance. Review status: criteria provided, single submitter (1 of 4 stars). 2 submissions from 2 submitters: Uncertain significance (1). 1 of the submissions does not count toward it. Last evaluated 2025-03-03.

Conditions:
Nemaline myopathy. Also called: Myopathies, Nemaline. Identifiers: Orphanet 607, MedGen C0206157, MONDO:0018958.
Nemaline myopathy 2 (NEM2). Also called: Nemaline myopathy 2, autosomal recessive. Identifiers: MedGen C1850569, MONDO:0009725, OMIM 256030.

gnomAD v4.1: 1 of 1,602,738 alleles (0.000062%); highest among the groups gnomAD compares: Non-Finnish European, 0.000085%; no homozygotes.

Submissions (2):

Broad Center for Mendelian Genomics, Broad Institute of MIT and Harvard
Classification: Uncertain significance for Nemaline myopathy. Last evaluated: 2025-03-03. Review status: criteria provided, single submitter. Criteria: ACMG Guidelines, 2015. Collection method: curation. Allele origin: germline. Inheritance: Autosomal recessive inheritance.
Comment: The 21630+1G>A variant in NEB has not been previously reported in individuals with nemaline myopathy, but has been identified in 0.00009% (1/1170492) of European (non-Finnish) chromosomes by the Genome Aggregation Database (gnomAD; dbSNP ID: rs1446706909). Although this variant has been seen in the general population in a heterozygous state, its frequency is low enough to be consistent with a recessive carrier frequency. This variant has also been reported in ClinVar (Variation ID: 552069) and has been interpreted as likely pathogenic by Counsyl. This variant is located in the 5' splice region. There is an in-frame cryptic splice site 9 and 21 bases from the intron-exon boundary, providing evidence that this variant may delete 3 or 7 amino acids instead of causing loss of function. However, this information is not predictive enough to determine pathogenicity. Loss of function of the NEB gene is an established disease mechanism in autosomal recessive nemaline myopathy. In summary, the clinical significance of the c.21630+1G>A variant is uncertain. ACMG/AMP Criteria applied: PVS1_strong, PM2_supporting (Richards 2015).

Counsyl
Classification: Likely pathogenic for Nemaline myopathy 2. Last evaluated: 2017-05-19. Review status: no assertion criteria provided. Collection method: clinical testing. Allele origin: unknown. Not counted in ClinVar's aggregate classification.